The following is an entry in ClinVar:

ClinVar aggregate classification (germline): Likely pathogenic. Review status: criteria provided, multiple submitters, no conflicts (2 of 4 stars). 2 submissions from 2 submitters: Likely pathogenic (2). Last evaluated 2025-06-25.

Conditions:
Dilated cardiomyopathy 1G (CMD1G). Identifiers: Orphanet 154, MedGen C1858763, MONDO:0011400, OMIM 604145.
Autosomal recessive limb-girdle muscular dystrophy type 2J (LGMDR10). Also called: Limb-girdle muscular dystrophy, type 2J; MUSCULAR DYSTROPHY, LIMB-GIRDLE, AUTOSOMAL RECESSIVE 10. Identifiers: Orphanet 140922, MedGen C1837342, MONDO:0012127, OMIM 608807.
Primary dilated cardiomyopathy (DCM). Also called: Dilated Cardiomyopathy. Identifiers: Orphanet 217604, MedGen C0007193, MeSH D002311, MONDO:0005021, HP:0001644. Inheritance: Various modes of inheritance.

Submissions (2):

Labcorp Genetics (formerly Invitae), Labcorp
Classification: Likely pathogenic for Dilated cardiomyopathy 1G; Autosomal recessive limb-girdle muscular dystrophy type 2J. Last evaluated: 2025-06-25. Review status: criteria provided, single submitter. Criteria: Invitae Variant Classification Sherloc (09022015). Collection method: clinical testing. Allele origin: germline.
Comment: This sequence change creates a premature translational stop signal (p.Trp16486*) in the TTN gene. While this is not anticipated to result in nonsense mediated decay, it is expected to create a truncated TTN protein. This variant is not present in population databases (gnomAD no frequency). This premature translational stop signal has been observed in individual(s) with dilated cardiomyopathy (PMID: 25589632, 29961767). ClinVar contains an entry for this variant (Variation ID: 223372). This variant is located in the A band of TTN (PMID: 25589632). Truncating variants in this region are significantly overrepresented in patients affected with dilated cardiomyopathy (PMID: 25589632). Truncating variants in this region have also been reported in individuals affected with autosomal recessive centronuclear myopathy (PMID: 23975875). In summary, the currently available evidence indicates that the variant is pathogenic, but additional data are needed to prove that conclusively. Therefore, this variant has been classified as Likely Pathogenic.

Cardiovascular Biomedical Research Unit, Royal Brompton & Harefield NHS Foundation Trust
Classification: Likely pathogenic for Primary dilated cardiomyopathy. Last evaluated: 2014-10-08. Review status: criteria provided, single submitter. Criteria: Roberts et al. 2015. Collection method: research. Allele origin: germline. Inheritance: Autosomal dominant inheritance. Affected: yes. Observed: 1 variant allele. Study: Familial DCM.
Comment: In the seven cohorts assessed, TTNtv were found in 14% of ambulant DCM, 22% end-stage or familial DCM, and 2% controls. Heterozygous nonsense, frameshift and canonical splice-disrupting variants found in constitutive and other highly utilised exons are highly likely to be pathogenic when identified in individuals with phenotypically confirmed DCM. TTNtv found incidentally in healthy individuals (excluding familial assessment of DCM relatives) are thought to have low penetrance, particularly when identified in exons that are not constitutively expressed in the heart.

Literature cited by the submitters: PubMed 25589632 (cited by Labcorp Genetics (formerly Invitae), Labcorp); PubMed 29961767 (cited by Labcorp Genetics (formerly Invitae), Labcorp); PubMed 23975875 (cited by Labcorp Genetics (formerly Invitae), Labcorp).

NM_001267550.2(TTN):c.49458G>A (p.Trp16486Ter)

Genes: TTN (titin; minus strand), TTN-AS1 (TTN antisense RNA 1; plus strand). Cytogenetic location: 2q31.2.
Variant type: single nucleotide variant.
Coding change: c.49458G>A on transcript NM_001267550.2 (MANE Select); coding-DNA position 49458, G replaced by A.
Protein change: p.Trp16486Ter; replaces tryptophan 16486 with a stop codon.
Molecular consequence: nonsense.
Genome position (GRCh38, 1-based): chr2:178,613,825, C>T on the plus strand (G>A on the coding strand, the complement: TTN is on the minus strand). VCF-style: chr2-178613825-C-T. GRCh37 (hg19) VCF-style: chr2-179478552-C-T.
Other names: c.44535G>A, p.Trp14845Ter (NM_001256850.1); c.22263G>A, p.Trp7421Ter (NM_003319.4); c.41754G>A, p.Trp13918Ter (NM_133378.4); c.22638G>A, p.Trp7546Ter (NM_133432.3); c.22839G>A, p.Trp7613Ter (NM_133437.4); c.49458G>A (LRG_391t1); short protein forms W16486*, W13918*, W7613*, W14845*, W7421*, W7546*.
Identifiers: ClinVar variation 223372 (VCV000223372.2), dbSNP rs869312108, ClinGen allele CA353344.